The following is an entry in ClinVar:

NM_001151.4(SLC25A4):c.*277C>T

Gene: SLC25A4 (solute carrier family 25 member 4; plus strand). Cytogenetic location: 4q35.1.
Variant type: single nucleotide variant.
Coding change: c.*277C>T on transcript NM_001151.4 (MANE Select); 277 bases downstream of the stop codon, C replaced by T.
Molecular consequence: 3 prime UTR variant.
Genome position (GRCh38, 1-based): chr4:185,147,248, C>T. VCF-style: chr4-185147248-C-T. GRCh37 (hg19) VCF-style: chr4-186068402-C-T.
Identifiers: ClinVar variation 900373 (VCV000900373.4), dbSNP rs190251889, ClinGen allele CA112008088.

ClinVar aggregate classification (germline): Benign (1 of 4 stars; one submission).

Conditions:
Progressive external ophthalmoplegia with mitochondrial DNA deletions, autosomal dominant 2. Also called: PROGRESSIVE EXTERNAL OPHTHALMOPLEGIA, AUTOSOMAL DOMINANT 2. Identifiers: MedGen C1836460, MONDO:0012238, OMIM 609283.

Allele frequency attached by ClinVar (database versions not stated): 1000 Genomes Project 30x 0.00094; 1000 Genomes Project 0.00100; TOPMed 0.00130.

Submission:

Illumina Laboratory Services, Illumina
Classification: Benign for Progressive external ophthalmoplegia with mitochondrial DNA deletions, autosomal dominant 2. Last evaluated: 2018-01-12. Review status: criteria provided, single submitter. Criteria: ICSL Variant Classification Criteria 13 December 2019. Collection method: clinical testing. Allele origin: germline.
Comment: This variant was observed in the ICSL laboratory as part of a predisposition screen in an ostensibly healthy population. It had not been previously curated by ICSL or reported in the Human Gene Mutation Database (HGMD: prior to June 1st, 2018), and was therefore a candidate for classification through an automated scoring system. Utilizing variant allele frequency, disease prevalence and penetrance estimates, and inheritance mode, an automated score was calculated to assess if this variant is too frequent to cause the disease. Based on the score and internal cut-off values, a variant classified as benign is not then subjected to further curation. The score for this variant resulted in a classification of benign for this disease.